The following is an entry in ClinVar:

NM_000465.4(BARD1):c.2246G>A (p.Arg749Lys)

Gene: BARD1 (BRCA1 associated RING domain 1; minus strand). Cytogenetic location: 2q35.
Variant type: single nucleotide variant.
Coding change: c.2246G>A on transcript NM_000465.4 (MANE Select); coding-DNA position 2246, G replaced by A.
Protein change: p.Arg749Lys; replaces arginine 749 with lysine.
Molecular consequence: missense variant. On other transcripts: non-coding transcript variant (3).
Genome position (GRCh38, 1-based): chr2:214,728,764, C>T on the plus strand (G>A on the coding strand, the complement: BARD1 is on the minus strand). VCF-style: chr2-214728764-C-T. GRCh37 (hg19) VCF-style: chr2-215593488-C-T.
Other names: c.2189G>A, p.Arg730Lys (NM_001282543.2); c.893G>A, p.Arg298Lys (NM_001282545.2); c.836G>A, p.Arg279Lys (NM_001282548.2); c.707G>A, p.Arg236Lys (NM_001282549.2); short protein forms R298K, R730K, R279K, R236K, R749K.
Identifiers: ClinVar variation 1497893 (VCV001497893.12), dbSNP rs1692200373, ClinGen allele CA350450003.

ClinVar aggregate classification (germline): Conflicting classifications of pathogenicity. Review status: criteria provided, conflicting classifications (1 of 4 stars). 3 submissions from 3 submitters: Uncertain significance (2); Likely benign (1). Last evaluated 2024-06-03.

Conditions:
Hereditary cancer-predisposing syndrome. Also called: Tumor predisposition; Hereditary neoplastic syndrome; Neoplastic Syndromes, Hereditary; Hereditary Cancer Syndrome. Identifiers: Orphanet 140162, MedGen C0027672, MeSH D009386, MONDO:0015356.
Familial cancer of breast. Also called: hereditary breast carcinoma; Hereditary breast cancer; BREAST CANCER, FAMILIAL. Identifiers: Orphanet 227535, MedGen C0346153, MONDO:0016419, OMIM 114480. Disease mechanism: loss of function.

Submissions (3):

Labcorp Genetics (formerly Invitae), Labcorp
Classification: Uncertain significance for Familial cancer of breast. Last evaluated: 2024-06-03. Review status: criteria provided, single submitter. Criteria: Invitae Variant Classification Sherloc (09022015). Collection method: clinical testing. Allele origin: germline.
Comment: This sequence change replaces arginine, which is basic and polar, with lysine, which is basic and polar, at codon 749 of the BARD1 protein (p.Arg749Lys). This variant is not present in population databases (gnomAD no frequency). This variant has not been reported in the literature in individuals affected with BARD1-related conditions. ClinVar contains an entry for this variant (Variation ID: 1497893). Algorithms developed to predict the effect of missense changes on protein structure and function output the following: SIFT: "Not Available"; PolyPhen-2: "Benign"; Align-GVGD: "Not Available". The lysine amino acid residue is found in multiple mammalian species, which suggests that this missense change does not adversely affect protein function. Algorithms developed to predict the effect of sequence changes on RNA splicing suggest that this variant may create or strengthen a splice site. In summary, the available evidence is currently insufficient to determine the role of this variant in disease. Therefore, it has been classified as a Variant of Uncertain Significance.

Ambry Genetics
Classification: Likely benign for Hereditary cancer-predisposing syndrome. Last evaluated: 2024-02-26. Review status: criteria provided, single submitter. Criteria: Ambry Variant Classification Scheme 2023. Collection method: clinical testing. Allele origin: germline.

Baylor Genetics
Classification: Uncertain significance for Familial cancer of breast. Last evaluated: 2023-07-07. Review status: criteria provided, single submitter. Criteria: ACMG Guidelines, 2015. Collection method: clinical testing. Allele origin: unknown.